The following is an entry in ClinVar:

NM_001376.5(DYNC1H1):c.7276T>C (p.Tyr2426His)

Gene: DYNC1H1 (dynein cytoplasmic 1 heavy chain 1; plus strand). Cytogenetic location: 14q32.31.
Variant type: single nucleotide variant.
Coding change: c.7276T>C on transcript NM_001376.5 (MANE Select); coding-DNA position 7276, T replaced by C.
Protein change: p.Tyr2426His; replaces tyrosine 2426 with histidine.
Molecular consequence: missense variant.
Genome position (GRCh38, 1-based): chr14:102,015,889, T>C. VCF-style: chr14-102015889-T-C. GRCh37 (hg19) VCF-style: chr14-102482226-T-C.
Other names: short protein forms Y2426H.
Identifiers: ClinVar variation 3027114 (VCV003027114.22), dbSNP rs2503767895, ClinGen allele CA391001774.
Genomic context (GRCh38, chr14:102,015,889, plus strand): 5'-TTAAGTATCACTCCTTCCACTTTCTAGATCCAAAGAGATGCAGCTACGATCATGCAACCG[T>C]ACTTCACGTCCAACGGCCTGGTCACCAAGGCGCTAGAGCACGCCTTCCAGCTGGAGCACA-3'
Protein context (NP_001367.2, residues 2416-2436): QRDAATIMQP[Tyr2426His]FTSNGLVTKA

ClinVar aggregate classification (germline): Uncertain significance (1 of 4 stars; one submission).

Submission:

CeGaT Center for Human Genetics Tuebingen
Classification: Uncertain significance. Last evaluated: 2024-02-01. Review status: criteria provided, single submitter. Criteria: CeGaT Center For Human Genetics Tuebingen Variant Classification Criteria Version 2. Collection method: clinical testing. Allele origin: germline. Affected: yes. Observed: 1 variant allele.
Comment: DYNC1H1: PM2, PP2